The following is an entry in ClinVar:

NM_000038.6(APC):c.-19+4148A>G

Gene: APC (APC regulator of WNT signaling pathway; plus strand). Cytogenetic location: 5q22.2.
Variant type: single nucleotide variant.
Coding change: c.-19+4148A>G on transcript NM_000038.6 (MANE Select); 4148 bases into the intron after 19 bases upstream of the start codon, A replaced by G.
Molecular consequence: intron variant.
Genome position (GRCh38, 1-based): chr5:112,742,073, A>G. VCF-style: chr5-112742073-A-G. GRCh37 (hg19) VCF-style: chr5-112077770-A-G.
Other names: c.-18-12800A>G (NM_001354895.2); c.166-24253A>G (NM_001354897.2, NM_001354902.2, NM_001127511.3); c.-19+3613A>G (NM_001127510.3); c.60+3613A>G (NM_001354898.2, NM_001354904.2); c.-1054+4148A>G (NM_001354906.2); c.-19+4148A>G (NM_001354896.2, NM_001354903.2, NM_001354899.2); c.-43+4148A>G (NM_001354900.2, NM_001354901.2, NM_001354905.2).
Identifiers: ClinVar variation 82760 (VCV000082760.2), dbSNP rs4705609, ClinGen allele CA006482.

ClinVar aggregate classification (germline): other (0 of 4 stars; one submission).

Conditions:
Familial colorectal cancer. Identifiers: MedGen CN280943, MONDO:0023113. Disease mechanism: loss of function.

Allele frequency attached by ClinVar (database versions not stated): gnomAD 0.53379 and 0.54222; TOPMed 0.55624; 1000 Genomes Project 30x 0.60665.
gnomAD v4.1: 82,428 of 151,956 alleles (54%); highest among the groups gnomAD compares: East Asian, 80%; 22,888 homozygotes.

Submission:

Systems Biology Platform Zhejiang California International NanoSystems Institute
Classification: other for Familial colorectal cancer. Review status: no assertion criteria provided. Collection method: not provided. Allele origin: unknown.
ClinVar note: Converted during submission from cancer to other.